The following is an entry in ClinVar:

ClinVar aggregate classification (germline): Benign/Likely benign. Review status: criteria provided, multiple submitters, no conflicts (2 of 4 stars). 11 submissions from 11 submitters: Benign (8); Likely benign (1). 2 of the submissions do not count toward it. Last evaluated 2026-02-02.

Conditions:
Isolated Nonsyndromic Congenital Heart Disease.
Cardiovascular phenotype. Identifiers: MedGen CN230736.
Alagille syndrome due to a JAG1 point mutation. Also called: HEPATIC DUCTULAR HYPOPLASIA, SYNDROMATIC; Alagille Syndrome 1; JAG1-Related Alagille Syndrome. Identifiers: Orphanet 261619, Orphanet 52, MedGen C1956125, MONDO:0016862, OMIM 118450.

Allele frequency attached by ClinVar (database versions not stated): ESP Exome Variant Server 0.01761; gnomAD 0.02367 and 0.02472; TOPMed 0.02652; 1000 Genomes Project 30x 0.03310; 1000 Genomes Project 0.03355; ExAC 0.03370; gnomAD exomes 0.03711.
gnomAD v4.1: 46,280 of 1,613,892 alleles (2.9%); highest among the groups gnomAD compares: Admixed American, 9.5%; 933 homozygotes.

Submissions (11):

Labcorp Genetics (formerly Invitae), Labcorp
Classification: Benign for Alagille syndrome due to a JAG1 point mutation. Last evaluated: 2026-02-02. Review status: criteria provided, single submitter. Criteria: Invitae Variant Classification Sherloc (09022015). Collection method: clinical testing. Allele origin: germline.

Blueprint Genetics
Classification: Likely benign. Last evaluated: 2024-11-28. Review status: criteria provided, single submitter. Criteria: ACMG Guidelines, 2015. Collection method: clinical testing. Allele origin: germline.

Women's Health and Genetics/Laboratory Corporation of America, LabCorp
Classification: Benign. Last evaluated: 2023-04-09. Review status: criteria provided, single submitter. Criteria: LabCorp Variant Classification Summary - May 2015. Collection method: clinical testing. Allele origin: germline.

Mayo Clinic Laboratories, Mayo Clinic
Classification: Benign. Last evaluated: 2022-03-09. Review status: criteria provided, single submitter. Criteria: ACMG Guidelines, 2015. Collection method: clinical testing. Allele origin: germline. Observed: 64 variant alleles.

Illumina Laboratory Services, Illumina
Classification: Benign for Isolated Nonsyndromic Congenital Heart Disease. Last evaluated: 2018-01-13. Review status: criteria provided, single submitter. Criteria: ICSL Variant Classification Criteria 13 December 2019. Collection method: clinical testing. Allele origin: germline.
Comment: This variant was observed in the ICSL laboratory as part of a predisposition screen in an ostensibly healthy population. It had not been previously curated by ICSL or reported in the Human Gene Mutation Database (HGMD: prior to June 1st, 2018), and was therefore a candidate for classification through an automated scoring system. Utilizing variant allele frequency, disease prevalence and penetrance estimates, and inheritance mode, an automated score was calculated to assess if this variant is too frequent to cause the disease. Based on the score and internal cut-off values, a variant classified as benign is not then subjected to further curation. The score for this variant resulted in a classification of benign for this disease.

Laboratory for Molecular Medicine, Mass General Brigham Personalized Medicine
Classification: Benign. Last evaluated: 2016-02-10. Review status: criteria provided, single submitter. Criteria: LMM Criteria. Collection method: clinical testing. Allele origin: germline. Observed: 2 variant alleles.
Comment: p.Asn308Asn in exon 7 of JAG1:This variant is not expected to have clinical sign ificance because it does not alter an amino acid residue and is not located with in the splice consensus sequence. It has been identified in 11% (1274/11536) of Latino chromosomes, including 73 homozygotes by the Exome Aggregation Consortium (ExAC; dbSNP rs45575136).

Ambry Genetics
Classification: Benign for Cardiovascular phenotype. Last evaluated: 2015-06-12. Review status: criteria provided, single submitter. Criteria: Ambry Variant Classification Scheme 2023. Collection method: clinical testing. Allele origin: germline.

Breakthrough Genomics
Classification: Benign. Review status: criteria provided, single submitter. Criteria: ACMG Guidelines, 2015. Collection method: not provided. Allele origin: germline. Inheritance: Autosomal dominant inheritance. Affected: yes.

PreventionGenetics, part of Exact Sciences
Classification: Benign. Review status: criteria provided, single submitter. Criteria: ACMG Guidelines, 2015. Collection method: clinical testing. Allele origin: germline.

Clinical Genetics, Academic Medical Center
Classification: Benign. Review status: no assertion criteria provided. Collection method: clinical testing. Allele origin: germline. Affected: yes. Study: VKGL Data-share Consensus. Not counted in ClinVar's aggregate classification.

Joint Genome Diagnostic Labs from Nijmegen and Maastricht, Radboudumc and MUMC+
Classification: Likely benign. Review status: no assertion criteria provided. Collection method: clinical testing. Allele origin: germline. Affected: yes. Study: VKGL Data-share Consensus. Not counted in ClinVar's aggregate classification.

Literature cited by the submitters: PubMed 10220506 (cited by Laboratory for Molecular Medicine, Mass General Brigham Personalized Medicine); PubMed 11058898 (cited by Laboratory for Molecular Medicine, Mass General Brigham Personalized Medicine); PubMed 10533065 (cited by Laboratory for Molecular Medicine, Mass General Brigham Personalized Medicine); PubMed 16575836 (cited by Laboratory for Molecular Medicine, Mass General Brigham Personalized Medicine).

NM_000214.3(JAG1):c.924C>T (p.Asn308=)

Gene: JAG1 (jagged canonical Notch ligand 1; minus strand). Cytogenetic location: 20p12.2.
Variant type: single nucleotide variant.
Coding change: c.924C>T on transcript NM_000214.3 (MANE Select); coding-DNA position 924, C replaced by T.
Protein change: p.Asn308=; no amino-acid change (asparagine 308 retained).
Molecular consequence: synonymous variant.
Genome position (GRCh38, 1-based): chr20:10,652,213, G>A on the plus strand (C>T on the coding strand, the complement: JAG1 is on the minus strand). VCF-style: chr20-10652213-G-A. GRCh37 (hg19) VCF-style: chr20-10632861-G-A.
Other names: p.Asn308=.
Identifiers: ClinVar variation 42483 (VCV000042483.30), dbSNP rs45575136, ClinGen allele CA282317.